The following is an entry in ClinVar:

ClinVar aggregate classification (germline): Uncertain significance (1 of 4 stars; one submission).

Submission:

Women's Health and Genetics/Laboratory Corporation of America, LabCorp
Classification: Uncertain significance. Last evaluated: 2023-06-01. Review status: criteria provided, single submitter. Criteria: LabCorp Variant Classification Summary - May 2015. Collection method: clinical testing. Allele origin: germline.
Comment: Variant summary: The variant identified by MLPA or other technology involves the duplication of exons 1-3 in the ALDH18A1 gene, where exon 2 contains the initiation codon. A presumed nomenclature of c.(?_-243)_(303+1_304-1)dup has been designated for the purposes of this classification. It has been assumed that this is a tandem duplication in direct orientation (Richardson_GIM_2018, Newman_AJHG_2015). The variant was absent in 21694 control chromosomes (gnomAD, Structural Variants dataset). The available data on variant occurrences in the general population are insufficient to allow any conclusion about variant significance. To our knowledge, no occurrence of c.(?_-243)_(303+1_304-1)dup in individuals affected with ALDH18A1-Related Disorders and no experimental evidence demonstrating its impact on protein function have been reported. No clinical diagnostic laboratories have submitted clinical-significance assessments for this variant to ClinVar after 2014. Based on the evidence outlined above, the variant was classified as uncertain significance.

NC_000010.10:g.(97397194_97402748)_(97416568_?)dup

Gene: ALDH18A1 (aldehyde dehydrogenase 18 family member A1; minus strand). Cytogenetic location: 10q24.1.
Variant type: Duplication.
Identifiers: ClinVar variation 2573493 (VCV002573493.1).